The following is an entry in ClinVar:

NM_177550.5(SLC13A5):c.547+47C>T

Gene: SLC13A5 (solute carrier family 13 member 5; minus strand). Cytogenetic location: 17p13.1.
Variant type: single nucleotide variant.
Coding change: c.547+47C>T on transcript NM_177550.5 (MANE Select); 47 bases into the intron after coding-DNA position 547, C replaced by T.
Molecular consequence: intron variant.
Genome position (GRCh38, 1-based): chr17:6,703,831, G>A on the plus strand (C>T on the coding strand, the complement: SLC13A5 is on the minus strand). VCF-style: chr17-6703831-G-A. GRCh37 (hg19) VCF-style: chr17-6607150-G-A.
Other names: c.418+47C>T (NM_001284510.2); c.496+47C>T (NM_001284509.2); c.547+47C>T (NM_001143838.3).
Identifiers: ClinVar variation 672897 (VCV000672897.2), dbSNP rs62061540, ClinGen allele CA8331688.

ClinVar aggregate classification (germline): Benign. Review status: criteria provided, multiple submitters, no conflicts (2 of 4 stars). 2 submissions from 2 submitters: Benign (2). Last evaluated 2018-06-14.

Allele frequency attached by ClinVar (database versions not stated): ESP Exome Variant Server 0.01523; gnomAD 0.01614 and 0.01807; TOPMed 0.01860; ExAC 0.02432; gnomAD exomes 0.02555; 1000 Genomes Project 30x 0.02686; 1000 Genomes Project 0.02935.
gnomAD v4.1: 30,640 of 1,488,894 alleles (2.1%); highest among the groups gnomAD compares: East Asian, 8.8%; 533 homozygotes.

Submissions (2):

GeneDx
Classification: Benign. Last evaluated: 2018-06-14. Review status: criteria provided, single submitter. Criteria: GeneDx Variant Classification (06012015). Collection method: clinical testing. Allele origin: germline. Affected: yes.
Comment: This variant is considered likely benign or benign based on one or more of the following criteria: it is a conservative change, it occurs at a poorly conserved position in the protein, it is predicted to be benign by multiple in silico algorithms, and/or has population frequency not consistent with disease.

Breakthrough Genomics
Classification: Benign. Review status: criteria provided, single submitter. Criteria: ACMG Guidelines, 2015. Collection method: not provided. Allele origin: germline. Inheritance: Autosomal recessive inheritance. Affected: yes.